The following is an entry in ClinVar:

ClinVar aggregate classification (germline): Uncertain significance (1 of 4 stars; one submission).

Conditions:
Loeys-Dietz syndrome 2 (LDS2). Also called: TGFBR2-Related Loeys-Dietz Syndrome; AORTIC ANEURYSM, FAMILIAL THORACIC 3; MARFAN SYNDROME, TYPE II; Marfan syndrome, type 2 (formerly); Marfan Syndrome type 2; Marfan like connective tissue disorder. Identifiers: Orphanet 284973, Orphanet 558, MedGen C2674574, MONDO:0012427, OMIM 610168.

Submission:

All of Us Research Program, National Institutes of Health
Classification: Uncertain significance for Loeys-Dietz syndrome 2. Last evaluated: 2023-06-28. Review status: criteria provided, single submitter. Criteria: ACMG Guidelines, 2015. Collection method: clinical testing. Allele origin: germline. Inheritance: Autosomal dominant inheritance. Observed: 1 variant allele, 1 heterozygote.
Comment: This study involves interpretation of variants in research participants for the purpose of population health screening. Participant phenotype was not available at the time of variant classification. Additional details can be found in publication PMID: 35346344, PMCID: PMC8962531

NM_003242.6(TGFBR2):c.779A>G (p.Lys260Arg)

Gene: TGFBR2 (transforming growth factor beta receptor 2; plus strand). Cytogenetic location: 3p24.1.
Variant type: single nucleotide variant.
Coding change: c.779A>G on transcript NM_003242.6 (MANE Select); coding-DNA position 779, A replaced by G.
Protein change: p.Lys260Arg; replaces lysine 260 with arginine.
Molecular consequence: missense variant. On other transcripts: intron variant (1).
Genome position (GRCh38, 1-based): chr3:30,671,962, A>G. VCF-style: chr3-30671962-A-G. GRCh37 (hg19) VCF-style: chr3-30713454-A-G.
Other names: c.854A>G, p.Lys285Arg (NM_001024847.3); c.962A>G, p.Lys321Arg (NM_001407126.1); c.887A>G, p.Lys296Arg (NM_001407127.1); c.806A>G, p.Lys269Arg (NM_001407128.1); c.782A>G, p.Lys261Arg (NM_001407129.1); c.779A>G, p.Lys260Arg (NM_001407130.1); c.674A>G, p.Lys225Arg (NM_001407132.1, NM_001407133.1, NM_001407134.1 and 2 more transcripts); c.494A>G, p.Lys165Arg (NM_001407137.1); and 2 more; short protein forms K140R, K165R, K225R, K260R, K261R, K269R, K285R, K296R.
Identifiers: ClinVar variation 3072116 (VCV003072116.1), dbSNP rs2125434315, ClinGen allele CA351807850.